The following is an entry in ClinVar:

ClinVar aggregate classification (germline): Likely pathogenic (1 of 4 stars; one submission).

Conditions:
SETD5-related disorder. Also called: SETD5-related disorders; SETD5-related condition.

Submission:

PreventionGenetics, part of Exact Sciences
Classification: Likely pathogenic for SETD5-related condition. Last evaluated: 2026-02-21. Review status: criteria provided, single submitter. Criteria: ACMG Guidelines, 2015. Collection method: clinical testing. Allele origin: germline.
Comment: The SETD5 c.2346+1G>T variant is predicted to disrupt the GT donor site and interfere with normal splicing. To our knowledge, this variant has not been reported in the literature or in a large population database (gnomAD), indicating this variant is rare. Variants that disrupt the consensus splice donor site in SETD5 are expected to be pathogenic. This variant is interpreted as likely pathogenic.

NM_001080517.3(SETD5):c.2346+1G>T

Gene: SETD5 (SET domain containing 5; plus strand). Cytogenetic location: 3p25.3.
Variant type: single nucleotide variant.
Coding change: c.2346+1G>T on transcript NM_001080517.3 (MANE Select); the canonical splice donor site of the intron after coding-DNA position 2346, G replaced by T.
Molecular consequence: splice donor variant.
Genome position (GRCh38, 1-based): chr3:9,448,631, G>T. VCF-style: chr3-9448631-G-T. GRCh37 (hg19) VCF-style: chr3-9490315-G-T.
Other names: c.2346+1G>T (NM_001437643.1); c.2052+1G>T (NM_001349451.2, NM_001292043.2); c.2442+1G>T (NM_001437633.1); c.2403+1G>T (NM_001437635.1); c.2385+1G>T (NM_001437701.1).
Identifiers: ClinVar variation 4999176 (VCV004999176.1).